The following is an entry in ClinVar:

ClinVar aggregate classification (germline): Uncertain significance (1 of 4 stars; one submission).

Submission:

GeneDx
Classification: Uncertain significance. Last evaluated: 2022-12-15. Review status: criteria provided, single submitter. Criteria: GeneDx Variant Classification Process June 2021. Collection method: clinical testing. Allele origin: germline. Affected: yes.
Comment: In silico analysis supports that this missense variant has a deleterious effect on protein structure/function; Has not been previously published as pathogenic or benign to our knowledge

NM_001142864.4(PIEZO1):c.4499G>T (p.Arg1500Leu)

Gene: PIEZO1 (piezo type mechanosensitive ion channel component 1 (Er blood group); minus strand). Cytogenetic location: 16q24.3.
Variant type: single nucleotide variant.
Coding change: c.4499G>T on transcript NM_001142864.4 (MANE Select); coding-DNA position 4499, G replaced by T.
Protein change: p.Arg1500Leu; replaces arginine 1500 with leucine.
Molecular consequence: missense variant.
Genome position (GRCh38, 1-based): chr16:88,723,006, C>A on the plus strand (G>T on the coding strand, the complement: PIEZO1 is on the minus strand). VCF-style: chr16-88723006-C-A. GRCh37 (hg19) VCF-style: chr16-88789414-C-A.
Other names: c.3041G>T, p.Arg1014Leu (NM_014745.1); short protein forms R1014L, R1500L.
Identifiers: ClinVar variation 2505675 (VCV002505675.1), dbSNP rs1461948204, ClinGen allele CA397096809.